The following is an entry in ClinVar:

NM_004104.5(FASN):c.2168A>C (p.His723Pro)

Gene: FASN (fatty acid synthase; minus strand). Cytogenetic location: 17q25.3.
Variant type: single nucleotide variant.
Coding change: c.2168A>C on transcript NM_004104.5 (MANE Select); coding-DNA position 2168, A replaced by C.
Protein change: p.His723Pro; replaces histidine 723 with proline.
Molecular consequence: missense variant.
Genome position (GRCh38, 1-based): chr17:82,089,105, T>G on the plus strand (A>C on the coding strand, the complement: FASN is on the minus strand). VCF-style: chr17-82089105-T-G. GRCh37 (hg19) VCF-style: chr17-80046981-T-G.
Other names: short protein forms H723P.
Identifiers: ClinVar variation 4731065 (VCV004731065.1).

ClinVar aggregate classification (germline): Uncertain significance (1 of 4 stars; one submission).

Conditions:
Epileptic encephalopathy. Identifiers: MedGen C0543888, HP:0200134.

Submission:

Labcorp Genetics (formerly Invitae), Labcorp
Classification: Uncertain significance for Epileptic encephalopathy. Last evaluated: 2026-01-05. Review status: criteria provided, single submitter. Criteria: Invitae Variant Classification Sherloc (09022015). Collection method: clinical testing. Allele origin: germline.
Comment: This sequence change replaces histidine, which is basic and polar, with proline, which is neutral and non-polar, at codon 723 of the FASN protein (p.His723Pro). This variant is not present in population databases (gnomAD no frequency). This variant has not been reported in the literature in individuals affected with FASN-related conditions. An algorithm developed to predict the effect of missense changes on protein structure and function (PolyPhen-2) suggests that this variant is likely to be tolerated. In summary, the available evidence is currently insufficient to determine the role of this variant in disease. Therefore, it has been classified as a Variant of Uncertain Significance.